The following is an entry in ClinVar:

NM_030787.4(CFHR5):c.732C>T (p.Asn244=)

Gene: CFHR5 (complement factor H related 5; plus strand). Cytogenetic location: 1q31.3.
Variant type: single nucleotide variant.
Coding change: c.732C>T on transcript NM_030787.4 (MANE Select); coding-DNA position 732, C replaced by T.
Protein change: p.Asn244=; no amino-acid change (asparagine 244 retained).
Molecular consequence: synonymous variant.
Genome position (GRCh38, 1-based): chr1:196,995,841, C>T. VCF-style: chr1-196995841-C-T. GRCh37 (hg19) VCF-style: chr1-196964971-C-T.
Other names: p.Asn244=.
Identifiers: ClinVar variation 713772 (VCV000713772.21), dbSNP rs41306229, ClinGen allele CA1307845.

ClinVar aggregate classification (germline): Benign/Likely benign. Review status: criteria provided, multiple submitters, no conflicts (2 of 4 stars). 9 submissions from 9 submitters: Benign (2); Likely benign (4). 3 of the submissions do not count toward it. Last evaluated 2025-09-21.

Conditions:
Atypical hemolytic-uremic syndrome. Identifiers: Orphanet 2134, MedGen C2931788, MONDO:0016244.
CFHR5 deficiency. Identifiers: MedGen C3553720.
CFH-Related Dense Deposit Disease / Membranoproliferative Glomerulonephritis Type II. Identifiers: MedGen CN071292.

Allele frequency attached by ClinVar (database versions not stated): ESP Exome Variant Server 0.00146; TOPMed 0.00155; 1000 Genomes Project 30x 0.00156; 1000 Genomes Project 0.00180; gnomAD 0.00244 and 0.00250; gnomAD exomes 0.00323; ExAC 0.00335.
gnomAD v4.1: 4,742 of 1,612,962 alleles (0.29%); highest among the groups gnomAD compares: Non-Finnish European, 0.3%; 19 homozygotes.

Submissions (9):

Labcorp Genetics (formerly Invitae), Labcorp
Classification: Benign. Last evaluated: 2025-09-21. Review status: criteria provided, single submitter. Criteria: Invitae Variant Classification Sherloc (09022015). Collection method: clinical testing. Allele origin: germline.

Mayo Clinic Laboratories, Mayo Clinic
Classification: Likely benign. Last evaluated: 2025-08-18. Review status: criteria provided, single submitter. Criteria: ACMG Guidelines, 2015. Collection method: clinical testing. Allele origin: germline. Observed: 17 variant alleles.
Comment: BS2, BP4, BP7

Blueprint Genetics
Classification: Likely benign. Last evaluated: 2024-11-11. Review status: criteria provided, single submitter. Criteria: ACMG Guidelines, 2015. Collection method: clinical testing. Allele origin: germline.

Genome-Nilou Lab
Classification: Benign for C3 glomerulonephritis. Last evaluated: 2023-04-11. Review status: criteria provided, single submitter. Criteria: ACMG Guidelines, 2015. Collection method: clinical testing. Allele origin: germline. Affected: no.

Genome Diagnostics Laboratory, The Hospital for Sick Children
Classification: Likely benign for Atypical hemolytic-uremic syndrome. Last evaluated: 2021-11-08. Review status: criteria provided, single submitter. Criteria: ACMG Guidelines, 2015. Collection method: clinical testing. Allele origin: germline.

Illumina Laboratory Services, Illumina
Classification: Likely benign for Membranoproliferative glomerulonephritis with complement factor h deficiency. Last evaluated: 2018-01-13. Review status: criteria provided, single submitter. Criteria: ICSL Variant Classification Criteria 13 December 2019. Collection method: clinical testing. Allele origin: germline.
Comment: This variant was observed in the ICSL laboratory as part of a predisposition screen in an ostensibly healthy population. It had not been previously curated by ICSL or reported in the Human Gene Mutation Database (HGMD: prior to June 1st, 2018), and was therefore a candidate for classification through an automated scoring system. Utilizing variant allele frequency, disease prevalence and penetrance estimates, and inheritance mode, an automated score was calculated to assess if this variant is too frequent to cause the disease. Based on the score and internal cut-off values, a variant classified as likely benign is not then subjected to further curation. The score for this variant resulted in a classification of likely benign for this disease.

Clinical Genetics DNA and cytogenetics Diagnostics Lab, Erasmus MC, Erasmus Medical Center
Classification: Likely benign. Review status: no assertion criteria provided. Collection method: clinical testing. Allele origin: germline. Affected: yes. Study: VKGL Data-share Consensus. Not counted in ClinVar's aggregate classification.

Genome Diagnostics Laboratory, University Medical Center Utrecht
Classification: Likely benign. Review status: no assertion criteria provided. Collection method: clinical testing. Allele origin: germline. Affected: yes. Study: VKGL Data-share Consensus. Not counted in ClinVar's aggregate classification.

Joint Genome Diagnostic Labs from Nijmegen and Maastricht, Radboudumc and MUMC+
Classification: Likely benign. Review status: no assertion criteria provided. Collection method: clinical testing. Allele origin: germline. Affected: yes. Study: VKGL Data-share Consensus. Not counted in ClinVar's aggregate classification.